The following is an entry in ClinVar:

ClinVar aggregate classification (germline): other (0 of 4 stars; one submission).

Conditions:
Familial colorectal cancer. Identifiers: MedGen CN280943, MONDO:0023113. Disease mechanism: loss of function.

Submission:

Systems Biology Platform Zhejiang California International NanoSystems Institute
Classification: other for Familial colorectal cancer. Review status: no assertion criteria provided. Collection method: not provided. Allele origin: unknown.
ClinVar note: Converted during submission from cancer to other.

NM_000038.6(APC):c.1409-1860C>A

Gene: APC (APC regulator of WNT signaling pathway; plus strand). Cytogenetic location: 5q22.2.
Variant type: single nucleotide variant.
Coding change: c.1409-1860C>A on transcript NM_000038.6 (MANE Select); 1860 bases into the intron before coding-DNA position 1409, C replaced by A.
Molecular consequence: intron variant.
Genome position (GRCh38, 1-based): chr5:112,825,248, C>A. VCF-style: chr5-112825248-C-A. GRCh37 (hg19) VCF-style: chr5-112160945-C-A.
Other names: c.1409-1860C>A (NM_001354895.2, NM_001127510.3); c.1439-1860C>A (NM_001354897.2); c.1136-1860C>A (NM_001354902.2); c.1355-1860C>A (NM_001127511.3); c.1334-1860C>A (NM_001354898.2); c.1031-1860C>A (NM_001354904.2); c.560-1860C>A (NM_001354906.2); c.1463-1860C>A (NM_001354896.2); and 5 more.
Identifiers: ClinVar variation 83149 (VCV000083149.2), dbSNP rs76424346, ClinGen allele CA005017.